The following is an entry in ClinVar:

ClinVar aggregate classification (germline): Benign/Likely benign. Review status: criteria provided, multiple submitters, no conflicts (2 of 4 stars). 3 submissions from 3 submitters: Benign (1); Likely benign (2). Last evaluated 2025-05-19.

Conditions:
Renal cell carcinoma. Identifiers: Orphanet 217071, MedGen C0007134, MeSH D002292, MONDO:0005086, HP:0005584.
Hereditary cancer-predisposing syndrome. Also called: Neoplastic Syndromes, Hereditary; Hereditary Cancer Syndrome; Tumor predisposition; Hereditary neoplastic syndrome. Identifiers: Orphanet 140162, MedGen C0027672, MeSH D009386, MONDO:0015356.
Papillary renal cell carcinoma type 1 (RCCP1). Also called: Renal adenocarcinoma; Renal cell carcinoma 1; Renal cell carcinoma, somatic; RENAL CELL CARCINOMA, PAPILLARY, 1, SOMATIC. Identifiers: Orphanet 47044, MedGen C1336839, OMIM 605074, HP:0011797.

Allele frequency attached by ClinVar (database versions not stated): TOPMed below 0.00001.
gnomAD v4.1: 1 of 1,613,968 alleles (0.000062%); highest among the groups gnomAD compares: African/African-American, 0.0013%; no homozygotes.

Submissions (3):

Labcorp Genetics (formerly Invitae), Labcorp
Classification: Likely benign for Renal cell carcinoma. Last evaluated: 2025-05-19. Review status: criteria provided, single submitter. Criteria: Invitae Variant Classification Sherloc (09022015). Collection method: clinical testing. Allele origin: germline.

Myriad Genetics, Inc.
Classification: Benign for Papillary renal cell carcinoma type 1. Last evaluated: 2024-11-15. Review status: criteria provided, single submitter. Criteria: Myriad Autosomal Dominant, Autosomal Recessive and X-Linked Classification Criteria (2023). Collection method: clinical testing. Allele origin: unknown.
Comment: This variant is considered benign. This variant is a silent/synonymous amino acid change and it is not expected to impact splicing.

Ambry Genetics
Classification: Likely benign for Hereditary cancer-predisposing syndrome. Last evaluated: 2022-07-10. Review status: criteria provided, single submitter. Criteria: Ambry Variant Classification Scheme 2023. Collection method: clinical testing. Allele origin: germline.

NM_000245.4(MET):c.4107G>A (p.Leu1369=)

Gene: MET (MET proto-oncogene, receptor tyrosine kinase; plus strand). Cytogenetic location: 7q31.2.
Variant type: single nucleotide variant.
Coding change: c.4107G>A on transcript NM_000245.4 (MANE Select); coding-DNA position 4107, G replaced by A.
Protein change: p.Leu1369=; no amino-acid change (leucine 1369 retained).
Molecular consequence: synonymous variant.
Genome position (GRCh38, 1-based): chr7:116,796,058, G>A. VCF-style: chr7-116796058-G-A. GRCh37 (hg19) VCF-style: chr7-116436112-G-A.
Other names: c.4161G>A, p.Leu1387= (NM_001127500.3); c.2817G>A, p.Leu939= (NM_001324402.2); c.4161G>A (NM_001127500.1).
Identifiers: ClinVar variation 1133764 (VCV001133764.11), dbSNP rs1795663624, ClinGen allele CA457462672.